The following is an entry in ClinVar:

NM_000362.5(TIMP3):c.439-12A>G

Genes: SYN3 (synapsin III; minus strand), TIMP3 (TIMP metallopeptidase inhibitor 3; plus strand). Cytogenetic location: 22q12.3.
Variant type: single nucleotide variant.
Coding change: c.439-12A>G on transcript NM_000362.5 (MANE Select); 12 bases into the intron before coding-DNA position 439, A replaced by G.
Molecular consequence: intron variant.
Genome position (GRCh38, 1-based): chr22:32,859,168, A>G. VCF-style: chr22-32859168-A-G. GRCh37 (hg19) VCF-style: chr22-33255155-A-G.
Other names: c.708+5747T>C (NM_001369909.1, NM_001135774.2, NM_001369910.1); c.711+5747T>C (NM_001369907.1, NM_003490.4, NM_001369908.1 and 1 more transcripts).
Identifiers: ClinVar variation 341345 (VCV000341345.13), dbSNP rs569856603, ClinGen allele CA10202271.
Genomic context (GRCh38, chr22:32,859,168, plus strand): 5'-CAGGCTCGGTAGCCTCAGGCCTGGGCATACCATGGCAGAGTCCATCAACTGCTGCCTGTT[A>G]TCTAATTGCAGATCAAGTCCTGCTACTACCTGCCTTGCTTTGTGACTTCCAAGAACGAGT-3'

ClinVar aggregate classification (germline): Benign/Likely benign. Review status: criteria provided, multiple submitters, no conflicts (2 of 4 stars). 3 submissions from 3 submitters: Benign (1); Likely benign (2). Last evaluated 2024-09-11.

Conditions:
Sorsby fundus dystrophy (SFD). Also called: MACULAR DYSTROPHY, HEMORRHAGIC; Sorsby fundus dystrophy, Lavia type; FUNDUS DYSTROPHY, PSEUDOINFLAMMATORY, OF SORSBY. Identifiers: Orphanet 59181, MedGen C1850938, MONDO:0007640, OMIM 136900.

Allele frequency attached by ClinVar (database versions not stated): gnomAD 0.00001 and 0.00003; TOPMed 0.00003; ExAC 0.00004; 1000 Genomes Project 30x 0.00047; 1000 Genomes Project 0.00060.
gnomAD v4.1: 25 of 1,614,120 alleles (0.0015%); highest among the groups gnomAD compares: Admixed American, 0.02%; no homozygotes.

Submissions (3):

Labcorp Genetics (formerly Invitae), Labcorp
Classification: Likely benign. Last evaluated: 2024-09-11. Review status: criteria provided, single submitter. Criteria: Invitae Variant Classification Sherloc (09022015). Collection method: clinical testing. Allele origin: germline.

Blueprint Genetics
Classification: Likely benign. Last evaluated: 2024-02-15. Review status: criteria provided, single submitter. Criteria: ACMG Guidelines, 2015. Collection method: clinical testing. Allele origin: germline.

Illumina Laboratory Services, Illumina
Classification: Benign for Sorsby fundus dystrophy. Last evaluated: 2018-01-13. Review status: criteria provided, single submitter. Criteria: ICSL Variant Classification Criteria 13 December 2019. Collection method: clinical testing. Allele origin: germline.
Comment: This variant was observed in the ICSL laboratory as part of a predisposition screen in an ostensibly healthy population. It had not been previously curated by ICSL or reported in the Human Gene Mutation Database (HGMD: prior to June 1st, 2018), and was therefore a candidate for classification through an automated scoring system. Utilizing variant allele frequency, disease prevalence and penetrance estimates, and inheritance mode, an automated score was calculated to assess if this variant is too frequent to cause the disease. Based on the score and internal cut-off values, a variant classified as benign is not then subjected to further curation. The score for this variant resulted in a classification of benign for this disease.